The following is an entry in ClinVar:

ClinVar aggregate classification (germline): Uncertain significance (1 of 4 stars; one submission).

Submission:

GeneDx
Classification: Uncertain significance. Last evaluated: 2022-06-28. Review status: criteria provided, single submitter. Criteria: GeneDx Variant Classification Process June 2021. Collection method: clinical testing. Allele origin: germline. Affected: yes.
Comment: Not observed at significant frequency in large population cohorts (gnomAD); In silico analysis supports that this missense variant does not alter protein structure/function; Has not been previously published as pathogenic or benign to our knowledge

NM_001161352.2(KCNMA1):c.2476G>C (p.Val826Leu)

Genes: KCNMA1 (potassium calcium-activated channel subfamily M alpha 1; minus strand), KCNMA1-AS1 (KCNMA1 antisense RNA 1; plus strand). Cytogenetic location: 10q22.3.
Variant type: single nucleotide variant.
Coding change: c.2476G>C on transcript NM_001161352.2 (MANE Select); coding-DNA position 2476, G replaced by C.
Protein change: p.Val826Leu; replaces valine 826 with leucine.
Molecular consequence: missense variant.
Genome position (GRCh38, 1-based): chr10:76,953,809, C>G on the plus strand (G>C on the coding strand, the complement: KCNMA1 is on the minus strand). VCF-style: chr10-76953809-C-G. GRCh37 (hg19) VCF-style: chr10-78713567-C-G.
Other names: c.2314G>C, p.Val772Leu (NM_001014797.3, NM_001322835.2, NM_001322837.2); c.2302G>C, p.Val768Leu (NM_001161353.2, NM_001322832.2, NM_001410940.1 and 1 more transcripts); c.2152G>C, p.Val718Leu (NM_001271518.2); c.2311G>C, p.Val771Leu (NM_001271519.2, NM_001322829.2, NM_001322836.2); c.2323G>C, p.Val775Leu (NM_001322830.2); c.1849G>C, p.Val617Leu (NM_001322838.2); short protein forms V617L, V718L, V768L, V771L, V772L, V775L, V826L.
Identifiers: ClinVar variation 1809850 (VCV001809850.1), dbSNP rs2550309643, ClinGen allele CA377407538.